The following is an entry in ClinVar:

NM_017739.4(POMGNT1):c.526A>C (p.Thr176Pro)

Genes: TSPAN1 (tetraspanin 1; plus strand), POMGNT1 (protein O-linked mannose N-acetylglucosaminyltransferase 1 (beta 1,2-); minus strand). Cytogenetic location: 1p34.1.
Variant type: single nucleotide variant.
Coding change: c.526A>C on transcript NM_017739.4 (MANE Select); coding-DNA position 526, A replaced by C.
Protein change: p.Thr176Pro; replaces threonine 176 with proline.
Molecular consequence: missense variant.
Genome position (GRCh38, 1-based): chr1:46,195,819, T>G on the plus strand (A>C on the coding strand, the complement: POMGNT1 is on the minus strand). VCF-style: chr1-46195819-T-G. GRCh37 (hg19) VCF-style: chr1-46661491-T-G.
Other names: NM_017739.4(POMGNT1):c.526A>C; c.526A>C, p.Thr176Pro (NM_001243766.2, NM_001410783.1); c.460A>C, p.Thr154Pro (NM_001290129.3); c.97A>C, p.Thr33Pro (NM_001290130.2); short protein forms T176P, T33P, T154P.
Identifiers: ClinVar variation 56600 (VCV000056600.4), dbSNP rs386834030, ClinGen allele CA263971.

ClinVar aggregate classification (germline): Uncertain significance. Review status: criteria provided, single submitter (1 of 4 stars). 2 submissions from 2 submitters: Uncertain significance (1). 1 of the submissions does not count toward it. Last evaluated 2023-01-24.

Conditions:
Muscle eye brain disease (MEB). Also called: Santavuori congenital muscular dystrophy. Identifiers: Orphanet 588, Orphanet 899, MedGen C0457133, MONDO:0018939.
Muscular dystrophy-dystroglycanopathy. Also called: Congenital muscular dystrophy due to dystroglycanopathy. Identifiers: Orphanet 370953, MedGen C5679911, MONDO:0018276.

Allele frequency attached by ClinVar (database versions not stated): gnomAD exomes below 0.00001.
gnomAD v4.1: 1 of 1,593,860 alleles (0.000063%); highest among the groups gnomAD compares: South Asian, 0.0011%; no homozygotes.

Submissions (2):

Broad Center for Mendelian Genomics, Broad Institute of MIT and Harvard
Classification: Uncertain significance for Muscular dystrophy-dystroglycanopathy. Last evaluated: 2023-01-24. Review status: criteria provided, single submitter. Criteria: ACMG Guidelines, 2015. Collection method: curation. Allele origin: germline. Inheritance: Autosomal recessive inheritance.
Comment: The p.Thr176Pro variant in POMGNT1 has been reported in the literature in one individual, in the homozygous state, with muscular dystrophy-dystroglycanopathy (PMID: 17878207), and has also been identified in 0.004% (1/28046) of South Asian chromosomes by the Genome Aggregation Database (gnomAD; dbSNP ID: rs386834030). Although this variant has been seen in the general population in a heterozygous state, its frequency is low enough to be consistent with a recessive carrier frequency. The variant has also been reported in ClinVar (Variation ID #56600) as likely pathogenic by Juha Muilu Group (Institute for Molecular Medicine Finland (FIMM)). Computational prediction tools and conservation analyses suggest that this variant may impact the protein, though this information is not predictive enough to determine pathogenicity. In summary, the clinical significance of the p.Thr176Pro variant is uncertain. ACMG/AMP Criteria applied: PM2_Supporting, PM3_Supporting, PP3 (Richards 2015).

Juha Muilu Group; Institute for Molecular Medicine Finland (FIMM)
Classification: Likely pathogenic for Muscle eye brain disease. Review status: no assertion criteria provided. Collection method: not provided. Allele origin: unknown. Not counted in ClinVar's aggregate classification.
Comment: FinDis database variant: This variant was not found or characterized by our laboratory, data were collected from public sources: see reference
ClinVar note: Converted during submission from probable-pathogenic to Likely pathogenic.